The following is an entry in ClinVar:

ClinVar aggregate classification (germline): Likely pathogenic (1 of 4 stars; one submission).

Conditions:
Hypohidrotic X-linked ectodermal dysplasia (XHED). Also called: Anhidrotic ectodermal dysplasia X-linked; Christ Siemens Touraine syndrome; ECTODERMAL DYSPLASIA 1, HYPOHIDROTIC, X-LINKED; ECTODERMAL DYSPLASIA 1, HYPOHIDROTIC/HAIR/TOOTH TYPE, X-LINKED; ECTODERMAL DYSPLASIA, HYPOHIDROTIC, 1; CST SYNDROME. Identifiers: Orphanet 181, Orphanet 238468, MedGen C0162359, MONDO:0010585, OMIM 305100.

Submission:

3billion
Classification: Likely pathogenic for Hypohidrotic X-linked ectodermal dysplasia. Last evaluated: 2024-09-12. Review status: criteria provided, single submitter. Criteria: ACMG Guidelines, 2015. Collection method: clinical testing. Allele origin: germline. Affected: yes.
Comment: The variant is not observed in the gnomAD v4.0.0 dataset. Predicted Consequence/Location: The variant is located in a mutational hot spot and/or well-established functional domain in which established pathogenic variants have been reported. In silico tool predictions suggest damaging effect of the variant on gene or gene product [REVEL: 0.96 (>=0.6, sensitivity 0.68 and specificity 0.92); 3Cnet: 0.99 (>=0.6, sensitivity 0.72 and precision 0.9)]. A different missense change at the same codon (p.Gly221Asp) has been reported to be associated with EDA related disorder (ClinVar ID: VCV002737243 /PMID: 27657131). Therefore, this variant is classified as Likely pathogenic according to the recommendation of ACMG/AMP guideline.

Literature cited by the submitters: PubMed 27657131.

NM_001399.5(EDA):c.662G>T (p.Gly221Val)

Gene: EDA (ectodysplasin A; plus strand). Cytogenetic location: Xq13.1.
Variant type: single nucleotide variant.
Coding change: c.662G>T on transcript NM_001399.5 (MANE Select); coding-DNA position 662, G replaced by T.
Protein change: p.Gly221Val; replaces glycine 221 with valine.
Molecular consequence: missense variant.
Genome position (GRCh38, 1-based): chrX:70,027,992, G>T. VCF-style: chrX-70027992-G-T. GRCh37 (hg19) VCF-style: chrX-69247842-G-T.
Other names: c.662G>T, p.Gly221Val (NM_001005609.2, NM_001005612.3, NM_001440761.1 and 1 more transcripts); short protein forms G221V.
Identifiers: ClinVar variation 4292338 (VCV004292338.1).